The following is an entry in ClinVar:

ClinVar aggregate classification (germline): Uncertain significance (1 of 4 stars; one submission).

Allele frequency attached by ClinVar (database versions not stated): gnomAD exomes below 0.00001; TOPMed below 0.00001.
gnomAD v4.1: 3 of 1,613,798 alleles (0.00019%); highest among the groups gnomAD compares: Non-Finnish European, 0.00025%; no homozygotes.

Submission:

Labcorp Genetics (formerly Invitae), Labcorp
Classification: Uncertain significance. Last evaluated: 2022-05-30. Review status: criteria provided, single submitter. Criteria: Invitae Variant Classification Sherloc (09022015). Collection method: clinical testing. Allele origin: germline.
Comment: This variant is not present in population databases (gnomAD no frequency). This variant has not been reported in the literature in individuals affected with POLE-related conditions. Algorithms developed to predict the effect of missense changes on protein structure and function output the following: SIFT: "Tolerated"; PolyPhen-2: "Benign"; Align-GVGD: "Class C0". The arginine amino acid residue is found in multiple mammalian species, which suggests that this missense change does not adversely affect protein function. In summary, the available evidence is currently insufficient to determine the role of this variant in disease. Therefore, it has been classified as a Variant of Uncertain Significance. This sequence change replaces histidine, which is basic and polar, with arginine, which is basic and polar, at codon 2247 of the POLE protein (p.His2247Arg).

NM_006231.4(POLE):c.6740A>G (p.His2247Arg)

Gene: POLE (DNA polymerase epsilon, catalytic subunit; minus strand). Cytogenetic location: 12q24.33.
Variant type: single nucleotide variant.
Coding change: c.6740A>G on transcript NM_006231.4 (MANE Select); coding-DNA position 6740, A replaced by G.
Protein change: p.His2247Arg; replaces histidine 2247 with arginine.
Molecular consequence: missense variant.
Genome position (GRCh38, 1-based): chr12:132,624,912, T>C on the plus strand (A>G on the coding strand, the complement: POLE is on the minus strand). VCF-style: chr12-132624912-T-C. GRCh37 (hg19) VCF-style: chr12-133201498-T-C.
Other names: short protein forms H2247R.
Identifiers: ClinVar variation 2000862 (VCV002000862.4), dbSNP rs1203935677, ClinGen allele CA387366002.